The following is an entry in ClinVar:

ClinVar aggregate classification (germline): Likely pathogenic (0 of 4 stars; one submission).

Conditions:
Congenital secretory diarrhea, chloride type (DIAR1). Also called: DIARRHEA 1, SECRETORY CHLORIDE, CONGENITAL; CHLORIDORRHEA, CONGENITAL; CHLORIDE DIARRHEA, CONGENITAL, FINNISH TYPE. Identifiers: Orphanet 53689, MedGen C0267662, MONDO:0008964, OMIM 214700.

Submission:

Juha Muilu Group; Institute for Molecular Medicine Finland (FIMM)
Classification: Likely pathogenic for Congenital secretory diarrhea, chloride type. Review status: no assertion criteria provided. Collection method: not provided. Allele origin: unknown.
Comment: FinDis database variant: This variant was not found or characterized by our laboratory, data were collected from public sources: see reference
ClinVar note: Converted during submission from probable-pathogenic to Likely pathogenic.

NM_000111.3(SLC26A3):c.1030_1047delinsGATGCC (p.Phe344_Val349delinsAspAla)

Gene: SLC26A3 (solute carrier family 26 member 3; minus strand). Cytogenetic location: 7q22.3.
Variant type: Indel.
Coding change: c.1030_1047delinsGATGCC on transcript NM_000111.3 (MANE Select); coding-DNA positions 1030 to 1047, TTCGGCATCGCAATGGTT replaced by GATGCC.
Protein change: p.Phe344_Val349delinsAspAla.
Molecular consequence: inframe indel.
Genome position (GRCh38, 1-based): chr7:107,783,277-107,783,294, AACCATTGCGATGCCGAA replaced by GGCATC on the plus strand (TTCGGCATCGCAATGGTT replaced by GATGCC on the coding strand, the reverse complement: SLC26A3 is on the minus strand). VCF-style: chr7-107783277-AACCATTGCGATGCCGAA-GGCATC. GRCh37 (hg19) VCF-style: chr7-107423722-AACCATTGCGATGCCGAA-GGCATC.
Identifiers: ClinVar variation 55963 (VCV000055963.2), dbSNP rs386833445, ClinGen allele CA144037.